The following is an entry in ClinVar:

ClinVar aggregate classification (germline): Uncertain significance. Review status: criteria provided, multiple submitters, no conflicts (2 of 4 stars). 4 submissions from 4 submitters: Uncertain significance (4). Last evaluated 2024-09-10.

Conditions:
Inborn genetic diseases. Identifiers: MedGen C0950123, MeSH D030342.

Allele frequency attached by ClinVar (database versions not stated): ExAC 0.00017; 1000 Genomes Project 30x 0.00031; gnomAD 0.00038; 1000 Genomes Project 0.00040; ESP Exome Variant Server 0.00062; TOPMed 0.00083.
gnomAD v4.1: 484 of 1,613,502 alleles (0.03%); highest among the groups gnomAD compares: Admixed American, 0.097%; 1 homozygote.

Submissions (4):

Blueprint Genetics
Classification: Uncertain significance. Last evaluated: 2024-09-10. Review status: criteria provided, single submitter. Criteria: ACMG Guidelines, 2015. Collection method: clinical testing. Allele origin: germline.

GeneDx
Classification: Uncertain significance. Last evaluated: 2024-05-22. Review status: criteria provided, single submitter. Criteria: GeneDx Variant Classification Process June 2021. Collection method: clinical testing. Allele origin: germline. Affected: yes.
Comment: In silico analysis supports that this missense variant has a deleterious effect on protein structure/function; Has not been previously published as pathogenic or benign to our knowledge

Ambry Genetics
Classification: Uncertain significance for Inborn genetic diseases. Last evaluated: 2023-11-14. Review status: criteria provided, single submitter. Criteria: Ambry Variant Classification Scheme 2023. Collection method: clinical testing. Allele origin: germline.

Labcorp Genetics (formerly Invitae), Labcorp
Classification: Uncertain significance. Last evaluated: 2022-03-10. Review status: criteria provided, single submitter. Criteria: Invitae Variant Classification Sherloc (09022015). Collection method: clinical testing. Allele origin: germline.
Comment: This sequence change replaces arginine, which is basic and polar, with cysteine, which is neutral and slightly polar, at codon 588 of the COLGALT1 protein (p.Arg588Cys). This variant is present in population databases (rs151059482, gnomAD 0.03%). This variant has not been reported in the literature in individuals affected with COLGALT1-related conditions. Algorithms developed to predict the effect of missense changes on protein structure and function are either unavailable or do not agree on the potential impact of this missense change (SIFT: "Not Available"; PolyPhen-2: "Probably Damaging"; Align-GVGD: "Not Available"). In summary, the available evidence is currently insufficient to determine the role of this variant in disease. Therefore, it has been classified as a Variant of Uncertain Significance.

NM_024656.4(COLGALT1):c.1762C>T (p.Arg588Cys)

Gene: COLGALT1 (collagen beta(1-O)galactosyltransferase 1; plus strand). Cytogenetic location: 19p13.11.
Variant type: single nucleotide variant.
Coding change: c.1762C>T on transcript NM_024656.4 (MANE Select); coding-DNA position 1762, C replaced by T.
Protein change: p.Arg588Cys; replaces arginine 588 with cysteine.
Molecular consequence: missense variant.
Genome position (GRCh38, 1-based): chr19:17,581,337, C>T. VCF-style: chr19-17581337-C-T. GRCh37 (hg19) VCF-style: chr19-17692146-C-T.
Other names: c.1762C>T (NM_024656.2, NM_024656.3); short protein forms R588C.
Identifiers: ClinVar variation 2037488 (VCV002037488.4), dbSNP rs151059482, ClinGen allele CA9297426.